The following is an entry in ClinVar:

ClinVar aggregate classification (germline): Likely benign (1 of 4 stars; one submission).

Allele frequency attached by ClinVar (database versions not stated): gnomAD exomes below 0.00001; gnomAD 0.00001; ExAC 0.00001.
gnomAD v4.1: 3 of 1,604,952 alleles (0.00019%); highest among the groups gnomAD compares: Middle Eastern, 0.017%; no homozygotes.

Submission:

GeneDx
Classification: Likely benign. Last evaluated: 2017-12-20. Review status: criteria provided, single submitter. Criteria: GeneDx Variant Classification (06012015). Collection method: clinical testing. Allele origin: germline. Affected: yes.
Comment: This variant is considered likely benign or benign based on one or more of the following criteria: it is a conservative change, it occurs at a poorly conserved position in the protein, it is predicted to be benign by multiple in silico algorithms, and/or has population frequency not consistent with disease.

NM_001267550.2(TTN):c.86354A>G (p.Asn28785Ser)

Genes: TTN (titin; minus strand), TTN-AS1 (TTN antisense RNA 1; plus strand). Cytogenetic location: 2q31.2.
Variant type: single nucleotide variant.
Coding change: c.86354A>G on transcript NM_001267550.2 (MANE Select); coding-DNA position 86354, A replaced by G.
Protein change: p.Asn28785Ser; replaces asparagine 28785 with serine.
Molecular consequence: missense variant.
Genome position (GRCh38, 1-based): chr2:178,559,778, T>C on the plus strand (A>G on the coding strand, the complement: TTN is on the minus strand). VCF-style: chr2-178559778-T-C. GRCh37 (hg19) VCF-style: chr2-179424505-T-C.
Other names: c.81431A>G, p.Asn27144Ser (NM_001256850.1); c.59159A>G, p.Asn19720Ser (NM_003319.4); c.78650A>G, p.Asn26217Ser (NM_133378.4); c.59534A>G, p.Asn19845Ser (NM_133432.3); c.59735A>G, p.Asn19912Ser (NM_133437.4); short protein forms N27144S, N28785S, N19720S, N26217S, N19912S, N19845S.
Identifiers: ClinVar variation 514325 (VCV000514325.1), dbSNP rs775051962, ClinGen allele CA1988516.